The following is an entry in ClinVar:

NM_023110.3(FGFR1):c.823T>G (p.Phe275Val)

Gene: FGFR1 (fibroblast growth factor receptor 1; minus strand). Cytogenetic location: 8p11.23.
Variant type: single nucleotide variant.
Coding change: c.823T>G on transcript NM_023110.3 (MANE Select); coding-DNA position 823, T replaced by G.
Protein change: p.Phe275Val; replaces phenylalanine 275 with valine.
Molecular consequence: missense variant.
Genome position (GRCh38, 1-based): chr8:38,424,622, A>C on the plus strand (T>G on the coding strand, the complement: FGFR1 is on the minus strand). VCF-style: chr8-38424622-A-C. GRCh37 (hg19) VCF-style: chr8-38282140-A-C.
Other names: c.823T>G, p.Phe275Val (NM_000604.2, NM_001174063.2); c.799T>G, p.Phe267Val (NM_001174064.2); c.817T>G, p.Phe273Val (NM_001174065.2, NM_001354367.2, NM_001354369.2 and 2 more transcripts); c.556T>G, p.Phe186Val (NM_001174066.2, NM_023105.3); c.916T>G, p.Phe306Val (NM_001174067.2); c.550T>G, p.Phe184Val (NM_001354368.2, NM_001354370.2, NM_023106.3); short protein forms F186V, F267V, F273V, F306V, F184V, F275V.
Identifiers: ClinVar variation 2949811 (VCV002949811.3), dbSNP rs2150821495, ClinGen allele CA370735025.
Genomic context (GRCh38, chr8:38,424,622, plus strand): 5'-CCTCGATGTGCTTTAGCCACTGGATGTGCGGCTGCGGGTCACTGTACACCTTACACATGA[A>C]CTCCACGTTGCTACCCAGGGCCACTGTTTTGTTGGCGGGCAACCCTGCTTGCAGGATGGG-3'
Protein context (NP_075598.2, residues 265-285): KTVALGSNVE[Phe275Val]MCKVYSDPQP

ClinVar aggregate classification (germline): Uncertain significance (1 of 4 stars; one submission).

Conditions:
Hypogonadotropic hypogonadism 2 with or without anosmia (HH2). Also called: FGFR1-Related GnRH Deficiency (Kallmann Syndrome 2); HYPOGONADOTROPIC HYPOGONADISM 2 WITH OR WITHOUT ANOSMIA, SUSCEPTIBILITY TO; HYPOGONADOTROPIC HYPOGONADISM 2 WITHOUT ANOSMIA, SUSCEPTIBILITY TO; HYPOGONADOTROPIC HYPOGONADISM 2 WITHOUT ANOSMIA. Identifiers: Orphanet 478, MedGen C1563720, MONDO:0007844, OMIM 147950. Disease mechanism: loss of function.
Pfeiffer syndrome (ACS5). Also called: ACS V. Identifiers: Orphanet 710, MedGen C0220658, MONDO:0007043, OMIM 101600.

Submission:

Labcorp Genetics (formerly Invitae), Labcorp
Classification: Uncertain significance for Pfeiffer syndrome; Hypogonadotropic hypogonadism 2 with or without anosmia. Last evaluated: 2023-07-12. Review status: criteria provided, single submitter. Criteria: Invitae Variant Classification Sherloc (09022015). Collection method: clinical testing. Allele origin: germline.
Comment: This sequence change replaces phenylalanine, which is neutral and non-polar, with valine, which is neutral and non-polar, at codon 275 of the FGFR1 protein (p.Phe275Val). This variant is not present in population databases (gnomAD no frequency). In summary, the available evidence is currently insufficient to determine the role of this variant in disease. Therefore, it has been classified as a Variant of Uncertain Significance. This variant has not been reported in the literature in individuals affected with FGFR1-related conditions. Advanced modeling of protein sequence and biophysical properties (such as structural, functional, and spatial information, amino acid conservation, physicochemical variation, residue mobility, and thermodynamic stability) has been performed at Invitae for this missense variant, however the output from this modeling did not meet the statistical confidence thresholds required to predict the impact of this variant on FGFR1 protein function.